The following is an entry in ClinVar:

ClinVar aggregate classification (germline): Pathogenic. Review status: reviewed by expert panel (3 of 4 stars). 9 submissions from 9 submitters: Pathogenic (1). 8 of the submissions do not count toward it. Last evaluated 2025-07-29.

Conditions:
Neuromuscular disease caused by qualitative or quantitative defects of dysferlin. Also called: Dysferlinopathy; Qualitative or quantitative defects of dysferlin. Identifiers: Orphanet 207073, MedGen C2931687, MONDO:0016145.
Autosomal recessive limb-girdle muscular dystrophy. Identifiers: Orphanet 102015, MedGen C2931907, MONDO:0015152.
Distal myopathy with anterior tibial onset. Identifiers: Orphanet 178400, MedGen C1847532, MONDO:0011721, OMIM 606768.
Miyoshi muscular dystrophy 1 (MMD1). Identifiers: Orphanet 45448, MedGen C4551973, MONDO:0024545, OMIM 254130.
Autosomal recessive limb-girdle muscular dystrophy type 2B (LGMDR2). Also called: MUSCULAR DYSTROPHY, LIMB-GIRDLE, AUTOSOMAL RECESSIVE 2; Limb-girdle muscular dystrophy, type 2B; Limb-Girdle Muscular Dystrophy Type 2B (LGMD2B); MUSCULAR DYSTROPHY, LIMB-GIRDLE, TYPE 3. Identifiers: Orphanet 268, MedGen C1850889, MONDO:0009676, OMIM 253601.

Allele frequency attached by ClinVar (database versions not stated): gnomAD exomes below 0.00001 and 0.00001; ExAC 0.00001.
gnomAD v4.1: 13 of 1,612,668 alleles (0.00081%); highest among the groups gnomAD compares: South Asian, 0.0011%; no homozygotes.

Submissions (9):

ClinGen Limb Girdle Muscular Dystrophy Variant Curation Expert Panel, ClinGen
Classification: Pathogenic for Autosomal recessive limb-girdle muscular dystrophy. Last evaluated: 2025-07-29. Review status: reviewed by expert panel. Criteria: ClinGen LGMD VCEP ACMG Specifications DYSF V1.0.0. Collection method: curation. Allele origin: germline. Inheritance: Autosomal recessive inheritance.
Comment: The NM_003494.4: c.1481-1G>A variant in DYSF, which is also known as NM_001130987.2: c.1577-1692G>A , occurs within the canonical splice acceptor site (+/- 1,2) of intron 16. SpliceAI gives a delta score of 0.76 for loss of the canonical acceptor and of 0.41 for gain of a cryptic acceptor at the +2 position in exon 17. RNAseq analysis has demonstrated disrupted splicing as a result of this variant, resulting in use of the cryptic acceptor site, a 2 bp deletion, and a frameshift and premature truncation, p.Glu494GlyfsTer16 (PMID: 36983702; PVS1_RNA). Of note, while exon 17 is not present in the MANE SELECT transcript NM_001130987.2, which is expressed in blood, the transcript highly expressed in skeletal tissue muscle, NM_003494.4, contains exon 17 and is expected to be affected by this variant. This variant has been identified in at least four patients with features consistent with LGMD (PMID: 20544924, 27602406, 36983702), including in unknown phase with a pathogenic variant in at least two individuals (NM_003494.4: c.1392dup p.(Asp465ArgfsTer9), 0.5 pts, PMID: 27602406, 27602406; NM_003494.4: c.5836_5839del p.(Gln1946TrpfsTer19), 0.5 pts, PMID: 20544924) (PM3). At least one patient with this variant and a second presumed diagnostic DYSF allele had a clinical suspicion of LGMD or progressive limb girdle muscle weakness as well as severely reduced or absent dysferlin protein expression, which is highly specific for DYSF-associated LGMD (PP4_Strong, PMID: 20544924, 27602406, 36983702). The filtering allele frequency of this variant is 0.000017496 in gnomAD v4.1.0 (the upper bound of the 95% CI of 12/1111262 European (non-Finnish) exome chromosomes), which is less than the ClinGen LGMD VCEP threshold (≤0.0001) (PM2_Supporting). In summary, this variant meets the criteria to be classified as Pathogenic for autosomal recessive limb girdle muscular dystrophy based on the ACMG/AMP criteria applied, as specified by the ClinGen LGMD VCEP (LGMD VCEP specifications version 1.0.0; 07/29/2025): PVS1_RNA, PM3, PP4_Strong, PM2_Supporting.

Labcorp Genetics (formerly Invitae), Labcorp
Classification: Pathogenic for Neuromuscular disease caused by qualitative or quantitative defects of dysferlin. Last evaluated: 2025-06-25. Review status: criteria provided, single submitter. Criteria: Invitae Variant Classification Sherloc (09022015). Collection method: clinical testing. Allele origin: germline. Not counted in ClinVar's aggregate classification.
Comment: This sequence change affects an acceptor splice site in intron 16 of the DYSF gene. It is expected to disrupt RNA splicing. Variants that disrupt the donor or acceptor splice site typically lead to a loss of protein function (PMID: 16199547), and loss-of-function variants in DYSF are known to be pathogenic (PMID: 17698709, 20301480). This variant is present in population databases (rs398123770, gnomAD 0.0009%). Disruption of this splice site has been observed in individual(s) with limb-girdle muscular dystrophy (PMID: 20544924). ClinVar contains an entry for this variant (Variation ID: 94274). Algorithms developed to predict the effect of sequence changes on RNA splicing suggest that this variant may disrupt the consensus splice site. For these reasons, this variant has been classified as Pathogenic.

GeneDx
Classification: Pathogenic. Last evaluated: 2024-07-25. Review status: criteria provided, single submitter. Criteria: GeneDx Variant Classification Process June 2021. Collection method: clinical testing. Allele origin: germline. Affected: yes. Not counted in ClinVar's aggregate classification.
Comment: Canonical splice site variant predicted to result in an in-frame loss of the adjacent exon in a gene for which loss of function is a known mechanism of disease; Not observed at significant frequency in large population cohorts (gnomAD); This variant is associated with the following publications: (PMID: 25525159, 21816046, 33715265, 33610434, 20544924, 24488599, 22213072, 36983702)

Fulgent Genetics
Classification: Pathogenic for Autosomal recessive limb-girdle muscular dystrophy type 2B; Miyoshi muscular dystrophy 1; Distal myopathy with anterior tibial onset. Last evaluated: 2024-05-28. Review status: criteria provided, single submitter. Criteria: ACMG Guidelines, 2015. Collection method: clinical testing. Allele origin: germline. Not counted in ClinVar's aggregate classification.

Baylor Genetics
Classification: Pathogenic for Miyoshi muscular dystrophy 1. Last evaluated: 2024-01-26. Review status: criteria provided, single submitter. Criteria: ACMG Guidelines, 2015. Collection method: clinical testing. Allele origin: unknown. Not counted in ClinVar's aggregate classification.

Athena Diagnostics
Classification: Pathogenic. Last evaluated: 2017-11-13. Review status: criteria provided, single submitter. Criteria: Athena Diagnostics Criteria. Collection method: clinical testing. Allele origin: germline. Not counted in ClinVar's aggregate classification.

Eurofins Ntd Llc (ga)
Classification: Pathogenic. Last evaluated: 2012-09-28. Review status: criteria provided, single submitter. Criteria: EGL Classification Definitions. Collection method: clinical testing. Allele origin: germline. Observed: 2 variant alleles, 2 heterozygotes. Not counted in ClinVar's aggregate classification.

Natera, Inc.
Classification: Pathogenic for Limb-girdle muscular dystrophy type 2B. Last evaluated: 2021-02-22. Review status: no assertion criteria provided. Collection method: clinical testing. Allele origin: germline. Not counted in ClinVar's aggregate classification.

Counsyl
Classification: Pathogenic for Autosomal recessive limb-girdle muscular dystrophy type 2B. Last evaluated: 2017-03-31. Review status: no assertion criteria provided. Collection method: clinical testing. Allele origin: unknown. Not counted in ClinVar's aggregate classification.

Literature cited by the submitters: PubMed 16199547 (cited by Labcorp Genetics (formerly Invitae), Labcorp); PubMed 17698709 (cited by Labcorp Genetics (formerly Invitae), Labcorp); PubMed 20301480 (cited by Labcorp Genetics (formerly Invitae), Labcorp); PubMed 20544924 (cited by 3 submitters); PubMed 21816046 (cited by Athena Diagnostics); PubMed 24488599 (cited by Counsyl).

NM_003494.4(DYSF):c.1481-1G>A

Gene: DYSF (dysferlin; plus strand). Cytogenetic location: 2p13.2.
Variant type: single nucleotide variant.
Coding change: c.1481-1G>A on transcript NM_003494.4 (MANE Plus Clinical); the canonical splice acceptor site of the intron before coding-DNA position 1481, G replaced by A.
Molecular consequence: splice acceptor variant. On other transcripts: intron variant (8).
Genome position (GRCh38, 1-based): chr2:71,549,349, G>A. VCF-style: chr2-71549349-G-A. GRCh37 (hg19) VCF-style: chr2-71776479-G-A.
Other names: c.1574-1G>A (NM_001130979.2); c.1574-1692G>A (NM_001130981.2, NM_001130980.2); c.1481-1G>A (NM_001130978.2); c.1481-1692G>A (NM_001130977.2, NM_001130976.2); c.1577-1G>A (NM_001130982.2); c.1577-1692G>A (NM_001130987.2, NM_001130985.2); c.1484-1G>A (NM_001130983.2, NM_001130455.2); c.1484-1692G>A (NM_001130984.2, NM_001130986.2).
Identifiers: ClinVar variation 94274 (VCV000094274.22), dbSNP rs398123770, ClinGen allele CA222130.